The following is an entry in ClinVar:

ClinVar aggregate classification (germline): Likely pathogenic (1 of 4 stars; one submission).

Submission:

Labcorp Genetics (formerly Invitae), Labcorp
Classification: Likely pathogenic. Last evaluated: 2017-11-20. Review status: criteria provided, single submitter. Criteria: Invitae Variant Classification Sherloc (09022015). Collection method: clinical testing. Allele origin: germline.
Comment: Donor and acceptor splice site variants typically lead to a loss of protein function (PMID: 16199547), and loss-of-function variants in OTOG are known to be pathogenic (PMID: 23122587). This sequence change affects a donor splice site in intron 36 of the OTOG gene. It is expected to disrupt RNA splicing and likely results in an absent or disrupted protein product. While this variant is not present in population databases, the frequency information is unreliable, as metrics indicate poor data quality at this position in the ExAC database. This variant has not been reported in the literature in individuals with OTOG-related disease. Algorithms developed to predict the effect of sequence changes on RNA splicing suggest that this variant may disrupt the consensus splice site, but this prediction has not been confirmed by published transcriptional studies. In summary, the currently available evidence indicates that the variant is pathogenic, but additional data are needed to prove that conclusively. Therefore, this variant has been classified as Likely Pathogenic.

Literature cited by the submitters: PubMed 16199547; PubMed 23122587.

NM_001292063.2(OTOG):c.6292+2_6292+3del

Gene: OTOG (otogelin; plus strand). Cytogenetic location: 11p15.1.
Variant type: Microsatellite.
Coding change: c.6292+2_6292+3del on transcript NM_001292063.2 (MANE Select); the canonical splice donor site of the intron after coding-DNA position 6292 through 3 bases into the intron after coding-DNA position 6292, 2 bases deleted (TG; older notation c.6292+2_6292+3delTG).
Molecular consequence: splice donor variant.
Genome position (GRCh38, 1-based): chr11:17,612,332-17,612,333, TG deleted; deleting any 2 consecutive bases within chr11:17,612,330-17,612,333 gives the same sequence; the c. name uses the placement nearest the transcript's 3' end. VCF-style (leftmost placement, unchanged base first): chr11-17612329-CTG-C. GRCh37 (hg19) VCF-style: chr11-17633876-CTG-C.
Other names: c.6328+2_6328+3del (NM_001277269.2).
Identifiers: ClinVar variation 1066421 (VCV001066421.7), dbSNP rs1203130034, ClinGen allele CA597904982.